The following is an entry in ClinVar:

ClinVar aggregate classification (germline): Conflicting classifications of pathogenicity. Review status: criteria provided, conflicting classifications (1 of 4 stars). 2 submissions from 2 submitters: Likely pathogenic (1); Uncertain significance (1). Last evaluated 2025-02-12.

Conditions:
COL11A1-related disorder. Also called: COL11A1-related condition; COL11A1-related disorders.
Hearing loss, autosomal dominant 37. Also called: DEAFNESS, AUTOSOMAL DOMINANT 37. Identifiers: MedGen C4760307, MONDO:0032802, OMIM 618533.
Fibrochondrogenesis 1 (FBCG1). Identifiers: Orphanet 2021, MedGen C3278138, MONDO:0009226, OMIM 228520.
Stickler syndrome type 2 (STL2). Also called: STICKLER SYNDROME, TYPE II; STICKLER SYNDROME, BEADED VITREOUS TYPE; STICKLER SYNDROME, VITREOUS TYPE 2; COL11A1-Related Stickler Syndrome. Identifiers: Orphanet 828, Orphanet 90654, MedGen C1858084, MONDO:0011493, OMIM 604841.
Marshall syndrome (MRSHS). Identifiers: Orphanet 560, MedGen C0265235, MONDO:0007949, OMIM 154780.
Intervertebral disc disorder (IDD). Also called: INTERVERTEBRAL DISC DISEASE; Lumbar disk degenerative disorder. Identifiers: MedGen C0158252, MONDO:0044339, OMIM 603932.

Submissions (2):

PreventionGenetics, part of Exact Sciences
Classification: Uncertain significance for COL11A1-related condition. Last evaluated: 2025-02-12. Review status: criteria provided, single submitter. Criteria: ACMG Guidelines, 2015. Collection method: clinical testing. Allele origin: germline.
Comment: The COL11A1 c.5146C>T variant is predicted to result in premature protein termination (p.Gln1716*). To our knowledge, this variant has not been reported in the literature or in a large population database (gnomAD), indicating this variant is rare. Nonsense variants in COL11A1 are expected to be pathogenic, however this variant occurs within the penultimate exon and downstream loss of function variants have not been reported as causative. Although we suspect that this variant may be pathogenic, at this time, the clinical significance of this variant is uncertain due to the absence of conclusive functional and genetic evidence.

Juno Genomics, Hangzhou Juno Genomics, Inc
Classification: Likely pathogenic for Intervertebral disc disorder; Hearing loss, autosomal dominant 37; Fibrochondrogenesis 1; Marshall syndrome; Stickler syndrome type 2. Review status: criteria provided, single submitter. Criteria: ACMG Guidelines, 2015. Collection method: clinical testing. Allele origin: germline.
Comment: Absent from controls (or at extremely low frequency if recessive) in Genome Aggregation Database.;Null variant in a gene where loss of function (LOF) is a known mechanism of disease.

NM_001854.4(COL11A1):c.5146C>T (p.Gln1716Ter)

Genes: COL11A1 (collagen type XI alpha 1 chain; minus strand), LOC126805814 (P300/CBP strongly-dependent group 1 enhancer GRCh37_chr1:103344928-103346127; plus strand). Cytogenetic location: 1p21.1.
Variant type: single nucleotide variant.
Coding change: c.5146C>T on transcript NM_001854.4 (MANE Select); coding-DNA position 5146, C replaced by T.
Protein change: p.Gln1716Ter; replaces glutamine 1716 with a stop codon.
Molecular consequence: nonsense. On other transcripts: non-coding transcript variant (1).
Genome position (GRCh38, 1-based): chr1:102,879,811, G>A on the plus strand (C>T on the coding strand, the complement: COL11A1 is on the minus strand). VCF-style: chr1-102879811-G-A. GRCh37 (hg19) VCF-style: chr1-103345367-G-A.
Other names: c.5029C>T, p.Gln1677Ter (NM_001190709.2); c.5182C>T, p.Gln1728Ter (NM_080629.3); c.4798C>T, p.Gln1600Ter (NM_080630.4); short protein forms Q1600*, Q1728*, Q1677*, Q1716*.
Identifiers: ClinVar variation 5001559 (VCV005001559.2).
Genomic context (GRCh38, chr1:102,879,811, plus strand): 5'-CCAGGAAGCGAAGTGCTTTGTCATAACTTCCTGATGACACATCATACCAGGCTGCTGACT[G>A]ATGACAGTGGTAGGTGAAATTTTGCCGAGCAGAGGCAGTCAGAAGTTTCAGGAATGTCAT-3'